The following is an entry in ClinVar:

NM_015272.5(RPGRIP1L):c.2173A>G (p.Asn725Asp)

Gene: RPGRIP1L (RPGRIP1 like; minus strand). Cytogenetic location: 16q12.2.
Variant type: single nucleotide variant.
Coding change: c.2173A>G on transcript NM_015272.5 (MANE Select); coding-DNA position 2173, A replaced by G.
Protein change: p.Asn725Asp; replaces asparagine 725 with aspartic acid.
Molecular consequence: missense variant.
Genome position (GRCh38, 1-based): chr16:53,649,095, T>C on the plus strand (A>G on the coding strand, the complement: RPGRIP1L is on the minus strand). VCF-style: chr16-53649095-T-C. GRCh37 (hg19) VCF-style: chr16-53683007-T-C.
Other names: c.2173A>G, p.Asn725Asp (NM_001127897.4, NM_001308334.3, NM_001330538.2); c.2173A>G (NM_015272.4); short protein forms N725D.
Identifiers: ClinVar variation 530897 (VCV000530897.9), dbSNP rs373201651, ClinGen allele CA8057604.

ClinVar aggregate classification (germline): Conflicting classifications of pathogenicity. Review status: criteria provided, conflicting classifications (1 of 4 stars). 5 submissions from 5 submitters: Uncertain significance (2); Likely benign (2). 1 of the submissions does not count toward it. Last evaluated 2026-09-22.

Conditions:
RPGRIP1L-related disorder. Also called: RPGRIP1L-related condition; RPGRIP1L-related disorders. Identifiers: MedGen CN239416.
Joubert syndrome. Also called: JOUBERT-BOLTSHAUSER SYNDROME; Familial aplasia of the vermis. Identifiers: Orphanet 475, MedGen C5979921, MONDO:0018772.
Inborn genetic diseases. Identifiers: MedGen C0950123, MeSH D030342.
Meckel-Gruber syndrome. Also called: GRUBER SYNDROME; DYSENCEPHALIA SPLANCHNOCYSTICA; Dysencephalia splachnocystica. Identifiers: Orphanet 564, MedGen C0265215, MONDO:0018921.

Allele frequency attached by ClinVar (database versions not stated): gnomAD exomes 0.00003; TOPMed 0.00003; ExAC 0.00004; gnomAD 0.00008 and 0.00009.
gnomAD v4.1: 195 of 1,613,944 alleles (0.012%); highest among the groups gnomAD compares: Non-Finnish European, 0.016%; no homozygotes.

Submissions (5):

PreventionGenetics, part of Exact Sciences
Classification: Uncertain significance for RPGRIP1L-related condition. Last evaluated: 2026-09-22. Review status: criteria provided, single submitter. Criteria: ACMG Guidelines, 2015. Collection method: clinical testing. Allele origin: germline.
Comment: The RPGRIP1L c.2173A>G variant is predicted to result in the amino acid substitution p.Asn725Asp. To our knowledge, this variant has not been reported in the literature. This variant is reported in 0.020% of alleles in individuals of African descent in gnomAD. At this time, the clinical significance of this variant is uncertain due to the absence of conclusive functional and genetic evidence.

Blueprint Genetics
Classification: Likely benign. Last evaluated: 2024-11-27. Review status: criteria provided, single submitter. Criteria: ACMG Guidelines, 2015. Collection method: clinical testing. Allele origin: germline.

Labcorp Genetics (formerly Invitae), Labcorp
Classification: Uncertain significance for Joubert syndrome; Meckel-Gruber syndrome. Last evaluated: 2024-06-03. Review status: criteria provided, single submitter. Criteria: Invitae Variant Classification Sherloc (09022015). Collection method: clinical testing. Allele origin: germline.
Comment: This sequence change replaces asparagine, which is neutral and polar, with aspartic acid, which is acidic and polar, at codon 725 of the RPGRIP1L protein (p.Asn725Asp). This variant is present in population databases (rs373201651, gnomAD 0.02%). This variant has not been reported in the literature in individuals affected with RPGRIP1L-related conditions. ClinVar contains an entry for this variant (Variation ID: 530897). Advanced modeling of protein sequence and biophysical properties (such as structural, functional, and spatial information, amino acid conservation, physicochemical variation, residue mobility, and thermodynamic stability) performed at Invitae indicates that this missense variant is not expected to disrupt RPGRIP1L protein function with a negative predictive value of 80%. In summary, the available evidence is currently insufficient to determine the role of this variant in disease. Therefore, it has been classified as a Variant of Uncertain Significance.

Ambry Genetics
Classification: Likely benign for Inborn genetic diseases. Last evaluated: 2022-09-07. Review status: criteria provided, single submitter. Criteria: Ambry Variant Classification Scheme 2023. Collection method: clinical testing. Allele origin: germline.

Natera, Inc.
Classification: Uncertain significance for Joubert syndrome. Last evaluated: 2020-09-10. Review status: no assertion criteria provided. Collection method: clinical testing. Allele origin: germline. Not counted in ClinVar's aggregate classification.